The following is an entry in ClinVar:

ClinVar aggregate classification (germline): Uncertain significance (1 of 4 stars; one submission).

Conditions:
Glutaric aciduria, type 1. Also called: Glutaryl-CoA dehydrogenase deficiency; Glutaric acidemia type I; Glutaric Acidemia Type 1; GA I; Glutaricacidemia Type 1; Glutaricaciduria, type I. Identifiers: Orphanet 25, MedGen C0268595, MONDO:0009281, OMIM 231670.

Allele frequency attached by ClinVar (database versions not stated): gnomAD exomes below 0.00001; ExAC 0.00001; gnomAD 0.00001; TOPMed 0.00002.
gnomAD v4.1: 91 of 1,613,994 alleles (0.0056%); highest among the groups gnomAD compares: Non-Finnish European, 0.0076%; no homozygotes.

Submission:

Labcorp Genetics (formerly Invitae), Labcorp
Classification: Uncertain significance for Glutaric aciduria, type 1. Last evaluated: 2021-12-27. Review status: criteria provided, single submitter. Criteria: Invitae Variant Classification Sherloc (09022015). Collection method: clinical testing. Allele origin: germline.
Comment: This sequence change replaces alanine, which is neutral and non-polar, with alanine, which is neutral and non-polar, at codon 122 of the GCDH protein (Silent). This variant is present in population databases (rs751364711, gnomAD 0.0009%). This variant has not been reported in the literature in individuals affected with GCDH-related conditions. Algorithms developed to predict the effect of sequence changes on RNA splicing suggest that this variant may create or strengthen a splice site. In summary, the available evidence is currently insufficient to determine the role of this variant in disease. Therefore, it has been classified as a Variant of Uncertain Significance.

NM_000159.4(GCDH):c.366C>G (p.Ala122=)

Gene: GCDH (glutaryl-CoA dehydrogenase; plus strand). Cytogenetic location: 19p13.13.
Variant type: single nucleotide variant.
Coding change: c.366C>G on transcript NM_000159.4 (MANE Select); coding-DNA position 366, C replaced by G.
Protein change: p.Ala122=; no amino-acid change (alanine 122 retained).
Molecular consequence: synonymous variant. On other transcripts: non-coding transcript variant (2).
Genome position (GRCh38, 1-based): chr19:12,893,514, C>G. VCF-style: chr19-12893514-C-G. GRCh37 (hg19) VCF-style: chr19-13004328-C-G.
Other names: c.366C>G, p.Ala122= (NM_013976.5).
Identifiers: ClinVar variation 1403255 (VCV001403255.3), dbSNP rs751364711, ClinGen allele CA9234377.